The following is an entry in ClinVar:

NM_018255.4(ELP2):c.1402C>T (p.Arg468Trp)

Gene: ELP2 (elongator acetyltransferase complex subunit 2; plus strand). Cytogenetic location: 18q12.2.
Variant type: single nucleotide variant.
Coding change: c.1402C>T on transcript NM_018255.4 (MANE Select); coding-DNA position 1402, C replaced by T.
Protein change: p.Arg468Trp; replaces arginine 468 with tryptophan.
Molecular consequence: missense variant. On other transcripts: non-coding transcript variant (4).
Genome position (GRCh38, 1-based): chr18:36,156,592, C>T. VCF-style: chr18-36156592-C-T. GRCh37 (hg19) VCF-style: chr18-33736555-C-T.
Other names: c.1270C>T, p.Arg424Trp (NM_001324465.2); c.1519C>T, p.Arg507Trp (NM_001324466.2); c.1252C>T, p.Arg418Trp (NM_001324467.2); c.955C>T, p.Arg319Trp (NM_001324468.2); c.1597C>T, p.Arg533Trp (NM_001242875.3); c.1387C>T, p.Arg463Trp (NM_001242876.3); c.1324C>T, p.Arg442Trp (NM_001242877.3); c.1192C>T, p.Arg398Trp (NM_001242878.3, NM_001242879.3); short protein forms R319W, R398W, R418W, R424W, R442W, R463W, R468W, R507W.
Identifiers: ClinVar variation 3252777 (VCV003252777.2), dbSNP rs749706917.

ClinVar aggregate classification (germline): Uncertain significance. Review status: criteria provided, multiple submitters, no conflicts (2 of 4 stars). 2 submissions from 2 submitters: Uncertain significance (2). Last evaluated 2025-12-08.

Conditions:
Inborn genetic diseases. Identifiers: MedGen C0950123, MeSH D030342.

Allele frequency attached by ClinVar (database versions not stated): TOPMed 0.00005.
gnomAD v4.1: 20 of 1,613,926 alleles (0.0012%); highest among the groups gnomAD compares: Admixed American, 0.015%; no homozygotes.

Submissions (2):

Ambry Genetics
Classification: Uncertain significance for Inborn genetic diseases. Last evaluated: 2025-12-08. Review status: criteria provided, single submitter. Criteria: Ambry Variant Classification Scheme 2023. Collection method: clinical testing. Allele origin: germline.

GeneDx
Classification: Uncertain significance. Last evaluated: 2023-10-11. Review status: criteria provided, single submitter. Criteria: GeneDx Variant Classification Process June 2021. Collection method: clinical testing. Allele origin: germline. Affected: yes.
Comment: In silico analysis supports that this missense variant has a deleterious effect on protein structure/function; Has not been previously published as pathogenic or benign to our knowledge